The following is an entry in ClinVar:

NM_015192.4(PLCB1):c.1685A>G (p.Asn562Ser)

Gene: PLCB1 (phospholipase C beta 1; plus strand). Cytogenetic location: 20p12.3.
Variant type: single nucleotide variant.
Coding change: c.1685A>G on transcript NM_015192.4 (MANE Select); coding-DNA position 1685, A replaced by G.
Protein change: p.Asn562Ser; replaces asparagine 562 with serine.
Molecular consequence: missense variant.
Genome position (GRCh38, 1-based): chr20:8,727,315, A>G. VCF-style: chr20-8727315-A-G. GRCh37 (hg19) VCF-style: chr20-8707962-A-G.
Other names: c.1685A>G, p.Asn562Ser (NM_182734.3); short protein forms N562S.
Identifiers: ClinVar variation 569440 (VCV000569440.2), dbSNP rs1319493393, ClinGen allele CA408204043.

ClinVar aggregate classification (germline): Uncertain significance. Review status: criteria provided, multiple submitters, no conflicts (2 of 4 stars). 2 submissions from 2 submitters: Uncertain significance (2). Last evaluated 2021-05-25.

Conditions:
Developmental and epileptic encephalopathy, 12 (DEE12). Identifiers: MedGen C3150988, MONDO:0013389, OMIM 613722.

Allele frequency attached by ClinVar (database versions not stated): gnomAD exomes below 0.00001; TOPMed 0.00001.
gnomAD v4.1: 5 of 1,582,296 alleles (0.00032%); highest among the groups gnomAD compares: Non-Finnish European, 0.00043%; no homozygotes.

Submissions (2):

Blueprint Genetics
Classification: Uncertain significance. Last evaluated: 2021-05-25. Review status: criteria provided, single submitter. Criteria: ACMG Guidelines, 2015. Collection method: clinical testing. Allele origin: germline.

Labcorp Genetics (formerly Invitae), Labcorp
Classification: Uncertain significance for Early infantile epileptic encephalopathy 12. Last evaluated: 2018-04-17. Review status: criteria provided, single submitter. Criteria: Invitae Variant Classification Sherloc (09022015). Collection method: clinical testing. Allele origin: germline.
Comment: This sequence change replaces asparagine with serine at codon 562 of the PLCB1 protein (p.Asn562Ser). The asparagine residue is moderately conserved and there is a small physicochemical difference between asparagine and serine. This variant is not present in population databases (ExAC no frequency). This variant has not been reported in the literature in individuals with PLCB1-related disease. Algorithms developed to predict the effect of missense changes on protein structure and function do not agree on the potential impact of this missense change (SIFT: "Tolerated"; PolyPhen-2: "Possibly Damaging"; Align-GVGD: "Class C0"). Algorithms developed to predict the effect of sequence changes on RNA splicing suggest that this variant may create or strengthen a splice site, but this prediction has not been confirmed by published transcriptional studies. In summary, the available evidence is currently insufficient to determine the role of this variant in disease. Therefore, it has been classified as a Variant of Uncertain Significance.